The following is an entry in ClinVar:

NM_017534.6(MYH2):c.3448GAG[1] (p.Glu1151del)

Genes: MYHAS (myosin heavy chain gene cluster antisense RNA; plus strand), MYH2 (myosin heavy chain 2; minus strand). Cytogenetic location: 17p13.1.
Variant type: Microsatellite.
Coding change: c.3448GAG[1] on transcript NM_017534.6 (MANE Select); one copy of the 3-base unit GAG starting at c.3448; the reference has two copies in a row; one copy, 3 bases deleted.
Protein change: p.Glu1151del; deletes glutamic acid 1151.
Molecular consequence: inframe deletion.
Genome position (GRCh38, 1-based): chr17:10,528,981-10,528,983, CTC deleted on the plus strand (GAG on the coding strand, the reverse complement: MYH2 is on the minus strand); deleting any 3 consecutive bases within chr17:10,528,981-10,528,987 gives the same sequence; the position shown is the placement nearest the transcript's 3' end. VCF-style (leftmost placement, unchanged base first): chr17-10528980-TCTC-T. GRCh37 (hg19) VCF-style: chr17-10432297-TCTC-T.
Other names: c.3448GAG[1], p.Glu1151del (NM_001100112.2); short protein forms E1151del.
Identifiers: ClinVar variation 2153478 (VCV002153478.4), dbSNP rs2073389913, ClinGen allele CA645572706.

ClinVar aggregate classification (germline): Uncertain significance (1 of 4 stars; one submission).

Conditions:
Myopathy, proximal, and ophthalmoplegia (CMYO6). Also called: INCLUSION BODY MYOPATHY 3, AUTOSOMAL DOMINANT; MYOPATHY WITH CONGENITAL JOINT CONTRACTURES, OPHTHALMOPLEGIA, AND RIMMED VACUOLES; CONGENITAL MYOPATHY 6 WITH OPHTHALMOPLEGIA. Identifiers: Orphanet 363677, Orphanet 79091, MedGen C1854106, MONDO:0011577, OMIM 605637.

Submission:

Labcorp Genetics (formerly Invitae), Labcorp
Classification: Uncertain significance for Myopathy, proximal, and ophthalmoplegia. Last evaluated: 2022-10-18. Review status: criteria provided, single submitter. Criteria: Invitae Variant Classification Sherloc (09022015). Collection method: clinical testing. Allele origin: germline.
Comment: In summary, the available evidence is currently insufficient to determine the role of this variant in disease. Therefore, it has been classified as a Variant of Uncertain Significance. Experimental studies and prediction algorithms are not available or were not evaluated, and the functional significance of this variant is currently unknown. This variant, c.3451_3453del, results in the deletion of 1 amino acid(s) of the MYH2 protein (p.Glu1151del), but otherwise preserves the integrity of the reading frame. This variant is not present in population databases (gnomAD no frequency). This variant has not been reported in the literature in individuals affected with MYH2-related conditions.